The following is an entry in ClinVar:

NM_001184.4(ATR):c.247T>C (p.Phe83Leu)

Gene: ATR (ATR checkpoint kinase; minus strand). Cytogenetic location: 3q23.
Variant type: single nucleotide variant.
Coding change: c.247T>C on transcript NM_001184.4 (MANE Select); coding-DNA position 247, T replaced by C.
Protein change: p.Phe83Leu; replaces phenylalanine 83 with leucine.
Molecular consequence: missense variant.
Genome position (GRCh38, 1-based): chr3:142,566,166, A>G on the plus strand (T>C on the coding strand, the complement: ATR is on the minus strand). VCF-style: chr3-142566166-A-G. GRCh37 (hg19) VCF-style: chr3-142285008-A-G.
Other names: c.247T>C, p.Phe83Leu (NM_001354579.2); short protein forms F83L.
Identifiers: ClinVar variation 3221083 (VCV003221083.1), dbSNP rs2108494100, ClinGen allele CA354828420.
Genomic context (GRCh38, chr3:142,566,166, plus strand): 5'-AATAACAGCACTTACCAATACAACTGCCTTTGGCCTCATGGCTTCCACTCACATTTACAA[A>G]CATAAGTGGGGAGGATTTCATGATATGCTGGATGAAATCAAGCAACATCACGGAGGTTGG-3'
Protein context (NP_001175.2, residues 73-93): QHIMKSSPLM[Phe83Leu]VNVSGSHEAK

ClinVar aggregate classification (germline): Uncertain significance (1 of 4 stars; one submission).

Conditions:
Inborn genetic diseases. Identifiers: MedGen C0950123, MeSH D030342.

Submission:

Ambry Genetics
Classification: Uncertain significance for Inborn genetic diseases. Last evaluated: 2022-12-27. Review status: criteria provided, single submitter. Criteria: Ambry Variant Classification Scheme 2023. Collection method: clinical testing. Allele origin: germline.
Comment: The p.F83L variant (also known as c.247T>C), located in coding exon 3 of the ATR gene, results from a T to C substitution at nucleotide position 247. The phenylalanine at codon 83 is replaced by leucine, an amino acid with highly similar properties. This amino acid position is conserved. In addition, this alteration is predicted to be deleterious by in silico analysis. Since supporting evidence is limited at this time, the clinical significance of this alteration remains unclear.